The following is an entry in ClinVar:

ClinVar aggregate classification (germline): Likely pathogenic (1 of 4 stars; one submission).

Conditions:
Jervell and Lange-Nielsen syndrome 1 (JLNS1). Also called: PROLONGED QT INTERVAL IN EKG AND SUDDEN DEATH; SURDO-CARDIAC SYNDROME; CARDIOAUDITORY SYNDROME OF JERVELL AND LANGE-NIELSEN; DEAFNESS, CONGENITAL, AND FUNCTIONAL HEART DISEASE. Identifiers: Orphanet 768, Orphanet 90647, MedGen C4551509, MONDO:0024540, OMIM 220400.

Submission:

Medical Molecular Genetics Department, National Research Center
Classification: Likely pathogenic for Jervell and Lange-Nielsen syndrome 1. Last evaluated: 2024-01-02. Review status: criteria provided, single submitter. Criteria: ACMG Guidelines, 2015. Collection method: clinical testing. Allele origin: germline. Affected: yes.
Comment: PVS1,PM2

NM_000218.3(KCNQ1):c.210del (p.Ala71fs)

Gene: KCNQ1 (potassium voltage-gated channel subfamily Q member 1; plus strand). Cytogenetic location: 11p15.5.
Variant type: Deletion.
Coding change: c.210del on transcript NM_000218.3 (MANE Select); coding-DNA position 210, one base deleted (C; older notation c.210delC).
Protein change: p.Ala71fs; shifts the reading frame from alanine 71.
Molecular consequence: frameshift variant. On other transcripts: 5 prime UTR variant (1).
Genome position (GRCh38, 1-based): chr11:2,445,308, C deleted; the last of 3 consecutive C bases (chr11:2,445,306-2,445,308); deleting any one gives the same sequence. VCF-style (leftmost placement, unchanged base first): chr11-2445305-GC-G. GRCh37 (hg19) VCF-style: chr11-2466535-GC-G.
Other names: c.210del, p.Ala71fs (NM_001406836.1, NM_001406838.1); c.-153del (NM_001406837.1); short protein forms A71fs.
Identifiers: ClinVar variation 3335922 (VCV003335922.2).